The following is an entry in ClinVar:

ClinVar aggregate classification (germline): Uncertain significance (1 of 4 stars; one submission).

Conditions:
Hereditary cancer-predisposing syndrome. Also called: Tumor predisposition; Hereditary Cancer Syndrome; Neoplastic Syndromes, Hereditary; Hereditary neoplastic syndrome. Identifiers: Orphanet 140162, MedGen C0027672, MeSH D009386, MONDO:0015356.

Allele frequency attached by ClinVar (database versions not stated): gnomAD exomes 0.00001; ExAC 0.00002.
gnomAD v4.1: 4 of 1,612,570 alleles (0.00025%); highest among the groups gnomAD compares: East Asian, 0.0045%; no homozygotes.

Submission:

Ambry Genetics
Classification: Uncertain significance for Hereditary cancer-predisposing syndrome. Last evaluated: 2022-01-28. Review status: criteria provided, single submitter. Criteria: Ambry Variant Classification Scheme 2023. Collection method: clinical testing. Allele origin: germline.
Comment: The p.W92R variant (also known as c.274T>C), located in coding exon 3 of the FANCC gene, results from a T to C substitution at nucleotide position 274. The tryptophan at codon 92 is replaced by arginine, an amino acid with dissimilar properties. This amino acid position is well conserved in available vertebrate species. In addition, the in silico prediction for this alteration is inconclusive. Since supporting evidence is limited at this time, the clinical significance of this alteration remains unclear.

NM_000136.3(FANCC):c.274T>C (p.Trp92Arg)

Gene: FANCC (FA complementation group C; minus strand). Cytogenetic location: 9q22.32.
Variant type: single nucleotide variant.
Coding change: c.274T>C on transcript NM_000136.3 (MANE Select); coding-DNA position 274, T replaced by C.
Protein change: p.Trp92Arg; replaces tryptophan 92 with arginine.
Molecular consequence: missense variant.
Genome position (GRCh38, 1-based): chr9:95,240,720, A>G on the plus strand (T>C on the coding strand, the complement: FANCC is on the minus strand). VCF-style: chr9-95240720-A-G. GRCh37 (hg19) VCF-style: chr9-98003002-A-G.
Other names: c.274T>C, p.Trp92Arg (NM_001243743.2, NM_001243744.2); short protein forms W92R.
Identifiers: ClinVar variation 1795552 (VCV001795552.2), dbSNP rs745424828, ClinGen allele CA5137784.